The following is an entry in ClinVar:

ClinVar aggregate classification (germline): Conflicting classifications of pathogenicity. Review status: criteria provided, conflicting classifications (1 of 4 stars). 6 submissions from 6 submitters: Uncertain significance (5); Likely benign (1). Last evaluated 2026-08-26.

Conditions:
Dilated cardiomyopathy 1G (CMD1G). Identifiers: Orphanet 154, MedGen C1858763, MONDO:0011400, OMIM 604145.
Autosomal recessive limb-girdle muscular dystrophy type 2J (LGMDR10). Also called: MUSCULAR DYSTROPHY, LIMB-GIRDLE, AUTOSOMAL RECESSIVE 10; Limb-girdle muscular dystrophy, type 2J. Identifiers: Orphanet 140922, MedGen C1837342, MONDO:0012127, OMIM 608807.
TTN-related disorder. Also called: TTN-related disorders; TTN-related condition; TTN-related disease.
Tibial muscular dystrophy (TMD). Also called: Udd Distal Myopathy – Tibial Muscular Dystrophy; Tibial muscular dystrophy, tardive; UDD MYOPATHY. Identifiers: Orphanet 609, MedGen C1838244, MONDO:0010870, OMIM 600334.
Myopathy, myofibrillar, 9, with early respiratory failure (MFM9). Also called: Hereditary myopathy with early respiratory failure; EDSTROM MYOPATHY; Myopathy, distal, with early respiratory failure, autosomal dominant; MYOPATHY, PROXIMAL, WITH EARLY RESPIRATORY MUSCLE INVOLVEMENT. Identifiers: Orphanet 178464, Orphanet 34521, MedGen C1863599, MONDO:0011362, OMIM 603689.
Early-onset myopathy with fatal cardiomyopathy (CMYO5). Also called: CONGENITAL MYOPATHY 5 WITH CARDIOMYOPATHY; Salih Myopathy. Identifiers: Orphanet 289377, MedGen C2673677, MONDO:0012714, OMIM 611705. Disease mechanism: loss of function.
Hypertrophic cardiomyopathy 9. Also called: Familial hypertrophic cardiomyopathy 9. Identifiers: MedGen C1861065, MONDO:0013412, OMIM 613765.
Cardiomyopathy (CMYO). Also called: Cardiomyopathies. Identifiers: Orphanet 167848, MedGen C0878544, MONDO:0004994, HP:0001638. Inheritance: Various modes of inheritance.

Allele frequency attached by ClinVar (database versions not stated): TOPMed 0.00003; gnomAD exomes below 0.00001; gnomAD 0.00001.
gnomAD v4.1: 7 of 1,612,572 alleles (0.00043%); highest among the groups gnomAD compares: African/African-American, 0.0053%; no homozygotes.

Submissions (6):

PreventionGenetics, part of Exact Sciences
Classification: Uncertain significance for TTN-related condition. Last evaluated: 2026-08-26. Review status: criteria provided, single submitter. Criteria: ACMG Guidelines, 2015. Collection method: clinical testing. Allele origin: germline.
Comment: The TTN c.50400A>T variant is predicted to result in the amino acid substitution p.Lys16800Asn. To our knowledge, this variant has not been reported in the literature or in a large population database (gnomAD), indicating this variant is rare. At this time, the clinical significance of this variant is uncertain due to the absence of conclusive functional and genetic evidence.

Fulgent Genetics
Classification: Uncertain significance for Tibial muscular dystrophy; Myopathy, myofibrillar, 9, with early respiratory failure; Dilated cardiomyopathy 1G; Autosomal recessive limb-girdle muscular dystrophy type 2J; Early-onset myopathy with fatal cardiomyopathy; Hypertrophic cardiomyopathy 9. Last evaluated: 2024-04-30. Review status: criteria provided, single submitter. Criteria: ACMG Guidelines, 2015. Collection method: clinical testing. Allele origin: germline.

Revvity Omics, Revvity
Classification: Uncertain significance. Last evaluated: 2020-09-14. Review status: criteria provided, single submitter. Criteria: ACMG Guidelines, 2015. Collection method: clinical testing. Allele origin: germline.

CHEO Genetics Diagnostic Laboratory, Children's Hospital of Eastern Ontario
Classification: Uncertain significance for Cardiomyopathy. Last evaluated: 2019-04-01. Review status: criteria provided, single submitter. Criteria: ACMG Guidelines, 2015. Collection method: clinical testing. Allele origin: germline.

Labcorp Genetics (formerly Invitae), Labcorp
Classification: Uncertain significance for Dilated cardiomyopathy 1G; Autosomal recessive limb-girdle muscular dystrophy type 2J. Last evaluated: 2017-02-28. Review status: criteria provided, single submitter. Criteria: Invitae Variant Classification Sherloc (09022015). Collection method: clinical testing. Allele origin: germline.

GeneDx
Classification: Likely benign. Last evaluated: 2012-10-26. Review status: criteria provided, single submitter. Criteria: GeneDx Variant Classification (06012015). Collection method: clinical testing. Allele origin: germline. Affected: yes.
Comment: This variant is considered likely benign or benign based on one or more of the following criteria: it is a conservative change, it occurs at a poorly conserved position in the protein, it is predicted to be benign by multiple in silico algorithms, and/or has population frequency not consistent with disease.

NM_001267550.2(TTN):c.50400A>T (p.Lys16800Asn)

Genes: TTN-AS1 (TTN antisense RNA 1; plus strand), TTN (titin; minus strand). Cytogenetic location: 2q31.2.
Variant type: single nucleotide variant.
Coding change: c.50400A>T on transcript NM_001267550.2 (MANE Select); coding-DNA position 50400, A replaced by T.
Protein change: p.Lys16800Asn; replaces lysine 16800 with asparagine.
Molecular consequence: missense variant.
Genome position (GRCh38, 1-based): chr2:178,611,909, T>A on the plus strand (A>T on the coding strand, the complement: TTN is on the minus strand). VCF-style: chr2-178611909-T-A. GRCh37 (hg19) VCF-style: chr2-179476636-T-A.
Other names: p.K15159N:AAA>AAT; c.45477A>T, p.Lys15159Asn (NM_001256850.1); c.23205A>T, p.Lys7735Asn (NM_003319.4); c.42696A>T, p.Lys14232Asn (NM_133378.4); c.23580A>T, p.Lys7860Asn (NM_133432.3); c.23781A>T, p.Lys7927Asn (NM_133437.4); short protein forms K15159N, K16800N, K14232N, K7927N, K7735N, K7860N.
Identifiers: ClinVar variation 202308 (VCV000202308.12), dbSNP rs794729239, ClinGen allele CA309040.